The following is an entry in ClinVar:

NM_000530.8(MPZ):c.119G>C (p.Gly40Ala)

Gene: MPZ (myelin protein zero; minus strand). Cytogenetic location: 1q23.3.
Variant type: single nucleotide variant.
Coding change: c.119G>C on transcript NM_000530.8 (MANE Select); coding-DNA position 119, G replaced by C.
Protein change: p.Gly40Ala; replaces glycine 40 with alanine.
Molecular consequence: missense variant.
Genome position (GRCh38, 1-based): chr1:161,307,373, C>G on the plus strand (G>C on the coding strand, the complement: MPZ is on the minus strand). VCF-style: chr1-161307373-C-G. GRCh37 (hg19) VCF-style: chr1-161277163-C-G.
Other names: c.119G>C, p.Gly40Ala (NM_001315491.2); short protein forms G40A.
Identifiers: ClinVar variation 3611845 (VCV003611845.2).

ClinVar aggregate classification (germline): Uncertain significance (1 of 4 stars; one submission).

Conditions:
Charcot-Marie-Tooth disease, type I (CMT1). Also called: Charcot-Marie-Tooth, Type 1; Charcot-Marie-Tooth disease type 1. Identifiers: Orphanet 65753, MedGen C0751036, MONDO:0019011.

Submission:

Labcorp Genetics (formerly Invitae), Labcorp
Classification: Uncertain significance for Charcot-Marie-Tooth disease, type I. Last evaluated: 2024-10-15. Review status: criteria provided, single submitter. Criteria: Invitae Variant Classification Sherloc (09022015). Collection method: clinical testing. Allele origin: germline.
Comment: This sequence change replaces glycine, which is neutral and non-polar, with alanine, which is neutral and non-polar, at codon 40 of the MPZ protein (p.Gly40Ala). This variant is not present in population databases (gnomAD no frequency). This variant has not been reported in the literature in individuals affected with MPZ-related conditions. Invitae Evidence Modeling of protein sequence and biophysical properties (such as structural, functional, and spatial information, amino acid conservation, physicochemical variation, residue mobility, and thermodynamic stability) indicates that this missense variant is not expected to disrupt MPZ protein function with a negative predictive value of 80%. In summary, the available evidence is currently insufficient to determine the role of this variant in disease. Therefore, it has been classified as a Variant of Uncertain Significance.